The following is an entry in ClinVar:

NM_000059.4(BRCA2):c.1803del (p.Gly602fs)

Gene: BRCA2 (BRCA2 DNA repair associated; plus strand). Cytogenetic location: 13q13.1.
Variant type: Deletion.
Coding change: c.1803del on transcript NM_000059.4 (MANE Select); coding-DNA position 1803, one base deleted (A; older notation c.1803delA).
Protein change: p.Gly602fs; shifts the reading frame from glycine 602.
Molecular consequence: frameshift variant.
Genome position (GRCh38, 1-based): chr13:32,333,281, A deleted; the last of 3 consecutive A bases (chr13:32,333,279-32,333,281); deleting any one gives the same sequence. VCF-style (leftmost placement, unchanged base first): chr13-32333278-TA-T. GRCh37 (hg19) VCF-style: chr13-32907415-TA-T.
Other names: c.1803del (NM_000059.3); short protein forms G602fs.
Identifiers: ClinVar variation 2152179 (VCV002152179.6), dbSNP rs2548521047, ClinGen allele CA500031.

ClinVar aggregate classification (germline): Pathogenic. Review status: criteria provided, multiple submitters, no conflicts (2 of 4 stars). 3 submissions from 3 submitters: Pathogenic (3). Last evaluated 2023-10-10.

Conditions:
Hereditary breast ovarian cancer syndrome. Also called: BRCA1- and BRCA2-Associated Hereditary Breast and Ovarian Cancer; Hereditary breast and ovarian cancer syndrome; Breast and ovarian cancer; Hereditary breast and ovarian cancer; Hereditary breast and ovarian cancer syndrome (HBOC); Hereditary breast and/or ovarian cancer syndrome. Identifiers: Orphanet 145, MedGen C0677776, MeSH D061325, MONDO:0003582. Disease mechanism: loss of function.
Breast-ovarian cancer, familial, susceptibility to, 2 (BROVCA2). Also called: BRCA2 Hereditary Breast and Ovarian Cancer. Identifiers: Orphanet 145, MedGen C2675520, MONDO:0012933, OMIM 612555. Disease mechanism: loss of function.

Submissions (3):

Myriad Genetics, Inc.
Classification: Pathogenic for Breast-ovarian cancer, familial, susceptibility to, 2. Last evaluated: 2023-10-10. Review status: criteria provided, single submitter. Criteria: Myriad Autosomal Dominant, Autosomal Recessive and X-Linked Classification Criteria (2023). Collection method: clinical testing. Allele origin: unknown.
Comment: This variant is considered pathogenic. This variant creates a frameshift predicted to result in premature protein truncation.

Labcorp Genetics (formerly Invitae), Labcorp
Classification: Pathogenic for Hereditary breast ovarian cancer syndrome. Last evaluated: 2023-06-15. Review status: criteria provided, single submitter. Criteria: Invitae Variant Classification Sherloc (09022015). Collection method: clinical testing. Allele origin: germline.
Comment: For these reasons, this variant has been classified as Pathogenic. ClinVar contains an entry for this variant (Variation ID: 2152179). This premature translational stop signal has been observed in individual(s) with personal and/or family history of breast and/or ovarian cancer (PMID: 29470806). This variant is not present in population databases (gnomAD no frequency). This sequence change creates a premature translational stop signal (p.Gly602Glufs*12) in the BRCA2 gene. It is expected to result in an absent or disrupted protein product. Loss-of-function variants in BRCA2 are known to be pathogenic (PMID: 20104584).

GeneDx
Classification: Pathogenic. Last evaluated: 2022-11-25. Review status: criteria provided, single submitter. Criteria: GeneDx Variant Classification Process June 2021. Collection method: clinical testing. Allele origin: germline. Affected: yes.
Comment: Observed in an individual with breast and/or ovarian cancer (Singh et al., 2018); Frameshift variant predicted to result in protein truncation or nonsense mediated decay in a gene for which loss of function is a known mechanism of disease; Not observed at significant frequency in large population cohorts (gnomAD); Truncating variants in this gene are considered pathogenic by a well-established clinical consortium and/or database; Also known as 2031del; This variant is associated with the following publications: (PMID: 29470806)

Literature cited by the submitters: PubMed 29470806 (cited by Labcorp Genetics (formerly Invitae), Labcorp); PubMed 20104584 (cited by Labcorp Genetics (formerly Invitae), Labcorp).